The following is an entry in ClinVar:

NM_001267550.2(TTN):c.87678A>T (p.Ser29226=)

Genes: TTN (titin; minus strand), TTN-AS1 (TTN antisense RNA 1; plus strand). Cytogenetic location: 2q31.2.
Variant type: single nucleotide variant.
Coding change: c.87678A>T on transcript NM_001267550.2 (MANE Select); coding-DNA position 87678, A replaced by T.
Protein change: p.Ser29226=; no amino-acid change (serine 29226 retained).
Molecular consequence: synonymous variant.
Genome position (GRCh38, 1-based): chr2:178,557,676, T>A on the plus strand (A>T on the coding strand, the complement: TTN is on the minus strand). VCF-style: chr2-178557676-T-A. GRCh37 (hg19) VCF-style: chr2-179422403-T-A.
Other names: c.82755A>T, p.Ser27585= (NM_001256850.1); c.60483A>T, p.Ser20161= (NM_003319.4); c.79974A>T, p.Ser26658= (NM_133378.4); c.60858A>T, p.Ser20286= (NM_133432.3); c.61059A>T, p.Ser20353= (NM_133437.4).
Identifiers: ClinVar variation 1148429 (VCV001148429.33), dbSNP rs1702056267, ClinGen allele CA430247236.

ClinVar aggregate classification (germline): Likely benign. Review status: criteria provided, multiple submitters, no conflicts (2 of 4 stars). 2 submissions from 2 submitters: Likely benign (2). Last evaluated 2024-03-01.

Conditions:
Dilated cardiomyopathy 1G (CMD1G). Identifiers: Orphanet 154, MedGen C1858763, MONDO:0011400, OMIM 604145.
Autosomal recessive limb-girdle muscular dystrophy type 2J (LGMDR10). Also called: MUSCULAR DYSTROPHY, LIMB-GIRDLE, AUTOSOMAL RECESSIVE 10; Limb-girdle muscular dystrophy, type 2J. Identifiers: Orphanet 140922, MedGen C1837342, MONDO:0012127, OMIM 608807.

Submissions (2):

CeGaT Center for Human Genetics Tuebingen
Classification: Likely benign. Last evaluated: 2024-03-01. Review status: criteria provided, single submitter. Criteria: CeGaT Center For Human Genetics Tuebingen Variant Classification Criteria Version 2. Collection method: clinical testing. Allele origin: germline. Affected: yes. Observed: 1 variant allele.
Comment: TTN: PM2:Supporting, BP4, BP7

Labcorp Genetics (formerly Invitae), Labcorp
Classification: Likely benign for Dilated cardiomyopathy 1G; Autosomal recessive limb-girdle muscular dystrophy type 2J. Last evaluated: 2022-08-23. Review status: criteria provided, single submitter. Criteria: Invitae Variant Classification Sherloc (09022015). Collection method: clinical testing. Allele origin: germline.